The following is an entry in ClinVar:

NM_001044.5(SLC6A3):c.418G>C (p.Gly140Arg)

Gene: SLC6A3 (solute carrier family 6 member 3). Cytogenetic location: 5p15.33.
Variant type: single nucleotide variant.
Coding change: c.418G>C on transcript NM_001044.5 (MANE Select); coding-DNA position 418, G replaced by C.
Protein change: p.Gly140Arg; replaces glycine 140 with arginine.
Molecular consequence: missense variant.
Genome position (GRCh38, 1-based): chr5:1,441,359, C>G on the plus strand (G>C on the coding strand, the complement: SLC6A3 is on the minus strand). VCF-style: chr5-1441359-C-G. GRCh37 (hg19) VCF-style: chr5-1441474-C-G.
Other names: short protein forms G140R.
Identifiers: ClinVar variation 1036965 (VCV001036965.9), dbSNP rs1014165579, ClinGen allele CA359062948.

ClinVar aggregate classification (germline): Uncertain significance (1 of 4 stars; one submission).

Conditions:
Parkinsonism-dystonia, infantile. Identifiers: Orphanet 238455, MedGen C2751067, MONDO:0013150.

Submission:

Labcorp Genetics (formerly Invitae), Labcorp
Classification: Uncertain significance for Parkinsonism-dystonia, infantile. Last evaluated: 2020-07-26. Review status: criteria provided, single submitter. Criteria: Invitae Variant Classification Sherloc (09022015). Collection method: clinical testing. Allele origin: germline.
Comment: In summary, the available evidence is currently insufficient to determine the role of this variant in disease. Therefore, it has been classified as a Variant of Uncertain Significance. Nucleotide substitutions within the consensus splice site are a relatively common cause of aberrant splicing (PMID: 17576681, 9536098). Algorithms developed to predict the effect of sequence changes on RNA splicing suggest that this variant may disrupt the consensus splice site, but this prediction has not been confirmed by published transcriptional studies. Algorithms developed to predict the effect of missense changes on protein structure and function (SIFT, PolyPhen-2, Align-GVGD) all suggest that this variant is likely to be disruptive, but these predictions have not been confirmed by published functional studies and their clinical significance is uncertain. This variant has not been reported in the literature in individuals with SLC6A3-related conditions. This variant is not present in population databases (ExAC no frequency). This sequence change replaces glycine with arginine at codon 140 of the SLC6A3 protein (p.Gly140Arg). The glycine residue is highly conserved and there is a moderate physicochemical difference between glycine and arginine. This variant also falls at the last nucleotide of exon 3 of the SLC6A3 coding sequence, which is part of the consensus splice site for this exon.

Literature cited by the submitters: PubMed 17576681; PubMed 9536098.